The following is an entry in ClinVar:

ClinVar aggregate classification (germline): Benign/Likely benign. Review status: criteria provided, multiple submitters, no conflicts (2 of 4 stars). 3 submissions from 3 submitters: Benign (1); Likely benign (2). Last evaluated 2025-04-09.

Allele frequency attached by ClinVar (database versions not stated): TOPMed 0.00011; gnomAD 0.00026 and 0.00003; gnomAD exomes 0.00166; ExAC 0.00178; 1000 Genomes Project 30x 0.00208; 1000 Genomes Project 0.00212; ESP Exome Variant Server 0.00009.

Submissions (3):

Molecular Diagnostic Laboratory for Inherited Cardiovascular Disease, Montreal Heart Institute
Classification: Likely benign. Last evaluated: 2025-04-09. Review status: criteria provided, single submitter. Criteria: ACMG Guidelines, 2015. Collection method: clinical testing. Allele origin: germline. Affected: no.

Blueprint Genetics
Classification: Likely benign. Last evaluated: 2024-10-23. Review status: criteria provided, single submitter. Criteria: ACMG Guidelines, 2015. Collection method: clinical testing. Allele origin: germline.

GeneDx
Classification: Benign. Last evaluated: 2016-10-04. Review status: criteria provided, single submitter. Criteria: GeneDx Variant Classification (06012015). Collection method: clinical testing. Allele origin: germline. Affected: yes.
Comment: This variant is considered likely benign or benign based on one or more of the following criteria: it is a conservative change, it occurs at a poorly conserved position in the protein, it is predicted to be benign by multiple in silico algorithms, and/or has population frequency not consistent with disease.

NM_001159699.2(FHL1):c.23-5C>T

Gene: FHL1 (four and a half LIM domains 1; plus strand). Cytogenetic location: Xq26.3.
Variant type: single nucleotide variant.
Coding change: c.23-5C>T on transcript NM_001159699.2 (MANE Select); 5 bases into the intron before coding-DNA position 23, C replaced by T.
Molecular consequence: intron variant.
Genome position (GRCh38, 1-based): chrX:136,206,402, C>T. VCF-style: chrX-136206402-C-T. GRCh37 (hg19) VCF-style: chrX-135288561-C-T.
Other names: c.-26-5C>T (NM_001159702.3, NM_001449.5, NM_001159703.2 and 9 more transcripts); c.62-5C>T (NM_001159701.2); c.23-5C>T (NM_001330659.2, NM_001159699.1).
Identifiers: ClinVar variation 386800 (VCV000386800.3), dbSNP rs374346567, ClinGen allele CA10524946.
Genomic context (GRCh38, chrX:136,206,402, plus strand): 5'-GAGCCACTGCTCAGGGTGCTGGGGCATTTCCTGTGGTCATTTGTCCTGTCTGCTTGCCCC[C>T]GCAGGTCCCTCCAGCTACAAGGTGGGCACCATGGCGGAGAAGTTTGACTGCCACTACTGC-3'